The following is an entry in ClinVar:

ClinVar aggregate classification (germline): Uncertain significance (1 of 4 stars; one submission).

Conditions:
Charcot-Marie-Tooth disease type 2. Also called: Charcot-Marie-Tooth type 2. Identifiers: Orphanet 64746, MedGen C0270914, MONDO:0018993.

Submission:

Labcorp Genetics (formerly Invitae), Labcorp
Classification: Uncertain significance for Charcot-Marie-Tooth disease type 2. Last evaluated: 2024-11-16. Review status: criteria provided, single submitter. Criteria: Invitae Variant Classification Sherloc (09022015). Collection method: clinical testing. Allele origin: germline.
Comment: This sequence change replaces leucine, which is neutral and non-polar, with glutamine, which is neutral and polar, at codon 338 of the LMNA protein (p.Leu338Gln). This variant is not present in population databases (gnomAD no frequency). This variant has not been reported in the literature in individuals affected with LMNA-related conditions. Invitae Evidence Modeling of protein sequence and biophysical properties (such as structural, functional, and spatial information, amino acid conservation, physicochemical variation, residue mobility, and thermodynamic stability) indicates that this missense variant is expected to disrupt LMNA protein function with a positive predictive value of 95%. In summary, the available evidence is currently insufficient to determine the role of this variant in disease. Therefore, it has been classified as a Variant of Uncertain Significance.

NM_170707.4(LMNA):c.1013T>A (p.Leu338Gln)

Gene: LMNA (lamin A/C; plus strand). Cytogenetic location: 1q22.
Variant type: single nucleotide variant.
Coding change: c.1013T>A on transcript NM_170707.4 (MANE Select); coding-DNA position 1013, T replaced by A.
Protein change: p.Leu338Gln; replaces leucine 338 with glutamine.
Molecular consequence: missense variant.
Genome position (GRCh38, 1-based): chr1:156,135,977, T>A. VCF-style: chr1-156135977-T-A. GRCh37 (hg19) VCF-style: chr1-156105768-T-A.
Other names: c.1013T>A, p.Leu338Gln (NM_170708.4, NM_001282625.2, NM_001282626.2 and 6 more transcripts); c.677T>A, p.Leu226Gln (NM_001257374.3, NM_001406989.1, NM_001406998.1); c.770T>A, p.Leu257Gln (NM_001282624.2, NM_001406986.1, NM_001406987.1); c.716T>A, p.Leu239Gln (NM_001406988.1); c.455T>A, p.Leu152Gln (NM_001406990.1, NM_001406993.1, NM_001406995.1 and 4 more transcripts); c.389T>A, p.Leu130Gln (NM_001406994.1, NM_001406999.1, NM_001407000.1 and 1 more transcripts); short protein forms L152Q, L338Q, L130Q, L239Q, L257Q, L226Q.
Identifiers: ClinVar variation 3633633 (VCV003633633.2).